The following is an entry in ClinVar:

NM_018972.4(GDAP1):c.845G>A (p.Arg282His)

Gene: GDAP1 (ganglioside induced differentiation associated protein 1; plus strand). Cytogenetic location: 8q21.11.
Variant type: single nucleotide variant.
Coding change: c.845G>A on transcript NM_018972.4 (MANE Select); coding-DNA position 845, G replaced by A.
Protein change: p.Arg282His; replaces arginine 282 with histidine.
Molecular consequence: missense variant. On other transcripts: intron variant (1).
Genome position (GRCh38, 1-based): chr8:74,364,135, G>A. VCF-style: chr8-74364135-G-A. GRCh37 (hg19) VCF-style: chr8-75276370-G-A.
Other names: c.641G>A, p.Arg214His (NM_001040875.4); c.518G>A, p.Arg173His (NM_001362929.2, NM_001362932.2); c.671G>A, p.Arg224His (NM_001362930.2); c.694+1082G>A (NM_001362931.2); short protein forms R282H, R214H, R224H, R173H.
Identifiers: ClinVar variation 574996 (VCV000574996.11), dbSNP rs375431837, ClinGen allele CA4785207.

ClinVar aggregate classification (germline): Pathogenic. Review status: criteria provided, multiple submitters, no conflicts (2 of 4 stars). 4 submissions from 4 submitters: Pathogenic (2). 2 of the submissions do not count toward it. Last evaluated 2024-10-22.

Conditions:
Inborn genetic diseases. Identifiers: MedGen C0950123, MeSH D030342.
Charcot-Marie-Tooth disease. Also called: Charcot-Marie-Tooth Neuropathy; Charcot-Marie-Tooth Hereditary Neuropathy. Identifiers: Orphanet 166, MedGen C0007959, MONDO:0015626.
Charcot-Marie-Tooth disease type 4A. Also called: Charcot-Marie-Tooth disease, demyelinating, autosomal recessive, type 4a. Identifiers: Orphanet 99948, MedGen C1859198, MONDO:0008961, OMIM 214400.
GDAP1-related disorder. Also called: GDAP1-related disorders; GDAP1-related condition.

Allele frequency attached by ClinVar (database versions not stated): gnomAD exomes 0.00001; ExAC 0.00002; gnomAD 0.00002 and 0.00003; TOPMed 0.00003; ESP Exome Variant Server 0.00008.
gnomAD v4.1: 19 of 1,614,056 alleles (0.0012%); highest among the groups gnomAD compares: Middle Eastern, 0.016%; no homozygotes.

Submissions (4):

Labcorp Genetics (formerly Invitae), Labcorp
Classification: Pathogenic for Charcot-Marie-Tooth disease type 4A. Last evaluated: 2024-10-22. Review status: criteria provided, single submitter. Criteria: Invitae Variant Classification Sherloc (09022015). Collection method: clinical testing. Allele origin: germline.
Comment: This sequence change replaces arginine, which is basic and polar, with histidine, which is basic and polar, at codon 282 of the GDAP1 protein (p.Arg282His). This variant is present in population databases (rs375431837, gnomAD 0.007%). This missense change has been observed in individuals with autosomal recessive Charcot-Marie-Tooth disease (PMID: 21326314, 22206013, 28495047). ClinVar contains an entry for this variant (Variation ID: 574996). Invitae Evidence Modeling of protein sequence and biophysical properties (such as structural, functional, and spatial information, amino acid conservation, physicochemical variation, residue mobility, and thermodynamic stability) has been performed for this missense variant. However, the output from this modeling did not meet the statistical confidence thresholds required to predict the impact of this variant on GDAP1 protein function. This variant disrupts the p.Arg282 amino acid residue in GDAP1. Other variant(s) that disrupt this residue have been determined to be pathogenic (PMID: 12499475, 14561495, 18812441). This suggests that this residue is clinically significant, and that variants that disrupt this residue are likely to be disease-causing. For these reasons, this variant has been classified as Pathogenic.

Ambry Genetics
Classification: Pathogenic for Inborn genetic diseases. Last evaluated: 2022-01-26. Review status: criteria provided, single submitter. Criteria: Ambry Variant Classification Scheme 2023. Collection method: clinical testing. Allele origin: germline.
Comment: The p.R282H pathogenic mutation (also known as c.845G>A), located in coding exon 6 of the GDAP1 gene, results from a G to A substitution at nucleotide position 845. The arginine at codon 282 is replaced by histidine, an amino acid with highly similar properties. This alteration has been reported in the compound heterozygous state in multiple individuals with autosomal recessive GDAP1-related Charcot-Marie-Tooth disease (Abe A et al. J Hum Genet, 2011 May;56:364-8; Lin KP et al. PLoS One, 2011 Dec;6:e29393; Wu R et al. Front Neurosci, 2021 Jul;15:705277; Yoshimura A et al. Clin Genet, 2017 Sep;92:274-280). This amino acid position is highly conserved in available vertebrate species. In addition, this alteration is predicted to be deleterious by in silico analysis. Based on the supporting evidence, this variant is expected to be causative of autosomal recessive spectrum of Charcot-Marie-Tooth diseases when present along with a second pathogenic variant on the other allele; however, its clinical significance for autosomal dominant axonal Charcot-Marie-Tooth disease, type 2K is unclear.

PreventionGenetics, part of Exact Sciences
Classification: Pathogenic for GDAP1-related condition. Last evaluated: 2024-01-25. Review status: no assertion criteria provided. Collection method: clinical testing. Allele origin: germline. Not counted in ClinVar's aggregate classification.
Comment: The GDAP1 c.845G>A variant is predicted to result in the amino acid substitution p.Arg282His. This variant has been reported in individuals with autosomal recessive Charcot-Marie-Tooth disease (see for example, Abe et al. 2011. PubMed ID: 21326314; Lin et al. 2011. PubMed ID: 22206013; Fu et al. 2017. PubMed ID: 28495047; Wu et al. 2021. PubMed ID: 34366782). This variant is reported in 0.0062% of alleles in individuals of African descent in gnomAD. An alternative nucleotide change affecting the same amino acid (c.844C>T, p.Arg282Cys) has also been reported as causative for autosomal recessive Charcot-Marie-Tooth disease (Nelis et al. 2002. PubMed ID: 12499475; Sevilla et al. 2008. PubMed ID: 18812441; Correia and Santos. 2022. PubMed ID: 35316520). In summary, the c.845G>A (p.Arg282His) variant is interpreted as pathogenic.

Inherited Neuropathy Consortium
Classification: Uncertain significance for Charcot-Marie-Tooth disease. Review status: no assertion criteria provided. Collection method: literature only. Allele origin: germline. Affected: yes. Not counted in ClinVar's aggregate classification.

Literature cited by the submitters: PubMed 21326314 (cited by Labcorp Genetics (formerly Invitae), Labcorp and Ambry Genetics); PubMed 22206013 (cited by 3 submitters); PubMed 28495047 (cited by Labcorp Genetics (formerly Invitae), Labcorp); PubMed 12499475 (cited by Labcorp Genetics (formerly Invitae), Labcorp); PubMed 14561495 (cited by Labcorp Genetics (formerly Invitae), Labcorp); PubMed 18812441 (cited by Labcorp Genetics (formerly Invitae), Labcorp); PubMed 28244113 (cited by Ambry Genetics); PubMed 34366782 (cited by Ambry Genetics).